The following is an entry in ClinVar:

ClinVar aggregate classification (germline): Uncertain significance (1 of 4 stars; one submission).

Conditions:
Multiple sulfatase deficiency (MSD). Also called: Multiple Sulfatase Deficiency Disease; Sulfatidosis, Juvenile, Austin Type; Mucosulfatidosis. Identifiers: Orphanet 585, MedGen C0268263, MONDO:0010088, OMIM 272200.

Submission:

Labcorp Genetics (formerly Invitae), Labcorp
Classification: Uncertain significance for Multiple sulfatase deficiency. Last evaluated: 2022-05-04. Review status: criteria provided, single submitter. Criteria: Invitae Variant Classification Sherloc (09022015). Collection method: clinical testing. Allele origin: germline.
Comment: This variant is not present in population databases (gnomAD no frequency). This sequence change replaces aspartic acid, which is acidic and polar, with asparagine, which is neutral and polar, at codon 304 of the SUMF1 protein (p.Asp304Asn). This variant has not been reported in the literature in individuals affected with SUMF1-related conditions. In summary, the available evidence is currently insufficient to determine the role of this variant in disease. Therefore, it has been classified as a Variant of Uncertain Significance. Algorithms developed to predict the effect of missense changes on protein structure and function are either unavailable or do not agree on the potential impact of this missense change (SIFT: "Deleterious"; PolyPhen-2: "Probably Damaging"; Align-GVGD: "Class C15").

NM_182760.4(SUMF1):c.910G>A (p.Asp304Asn)

Gene: SUMF1 (sulfatase modifying factor 1; minus strand). Cytogenetic location: 3p26.1.
Variant type: single nucleotide variant.
Coding change: c.910G>A on transcript NM_182760.4 (MANE Select); coding-DNA position 910, G replaced by A.
Protein change: p.Asp304Asn; replaces aspartic acid 304 with asparagine.
Molecular consequence: missense variant.
Genome position (GRCh38, 1-based): chr3:4,410,909, C>T on the plus strand (G>A on the coding strand, the complement: SUMF1 is on the minus strand). VCF-style: chr3-4410909-C-T. GRCh37 (hg19) VCF-style: chr3-4452593-C-T.
Other names: c.835G>A, p.Asp279Asn (NM_001164674.2); c.910G>A, p.Asp304Asn (NM_001164675.2); short protein forms D304N, D279N.
Identifiers: ClinVar variation 2133343 (VCV002133343.4), dbSNP rs2469825720, ClinGen allele CA351631275.